The following is an entry in ClinVar:

NM_001184.4(ATR):c.5021G>A (p.Gly1674Glu)

Gene: ATR (ATR checkpoint kinase; minus strand). Cytogenetic location: 3q23.
Variant type: single nucleotide variant.
Coding change: c.5021G>A on transcript NM_001184.4 (MANE Select); coding-DNA position 5021, G replaced by A.
Protein change: p.Gly1674Glu; replaces glycine 1674 with glutamic acid.
Molecular consequence: missense variant.
Genome position (GRCh38, 1-based): chr3:142,507,941, C>T on the plus strand (G>A on the coding strand, the complement: ATR is on the minus strand). VCF-style: chr3-142507941-C-T. GRCh37 (hg19) VCF-style: chr3-142226783-C-T.
Other names: c.4829G>A, p.Gly1610Glu (NM_001354579.2); short protein forms G1610E, G1674E.
Identifiers: ClinVar variation 1744844 (VCV001744844.2), dbSNP rs1479079956, ClinGen allele CA354820366.
Genomic context (GRCh38, chr3:142,507,941, plus strand): 5'-GACTGGCCACATTAATTTTCATTATTAAATTCACTATATTAACTTCAGACCTGTAAAAAT[C>T]CAAGATGTTCCTGAATATTTTGCTTCTTTTCTGTAATAAATGATTCAAAGTGCATTACAG-3'
Protein context (NP_001175.2, residues 1664-1684): EKKQNIQEHL[Gly1674Glu]FLQKLYAAMH

ClinVar aggregate classification (germline): Uncertain significance (1 of 4 stars; one submission).

Conditions:
Inborn genetic diseases. Identifiers: MedGen C0950123, MeSH D030342.

Submission:

Ambry Genetics
Classification: Uncertain significance for Inborn genetic diseases. Last evaluated: 2022-05-17. Review status: criteria provided, single submitter. Criteria: Ambry Variant Classification Scheme 2023. Collection method: clinical testing. Allele origin: germline.
Comment: The p.G1674E variant (also known as c.5021G>A), located in coding exon 28 of the ATR gene, results from a G to A substitution at nucleotide position 5021. The glycine at codon 1674 is replaced by glutamic acid, an amino acid with similar properties. This amino acid position is conserved. In addition, this alteration is predicted to be tolerated by in silico analysis. Since supporting evidence is limited at this time, the clinical significance of this alteration remains unclear.